The following is an entry in ClinVar:

ClinVar aggregate classification (germline): Uncertain significance (1 of 4 stars; one submission).

Submission:

GeneDx
Classification: Uncertain significance. Last evaluated: 2021-06-30. Review status: criteria provided, single submitter. Criteria: GeneDx Variant Classification Process June 2021. Collection method: clinical testing. Allele origin: germline. Affected: yes.
Comment: Not observed at significant frequency in large population cohorts (Lek 2016); In silico analysis supports that this variant does not alter splicing; Has not been previously published as pathogenic or benign to our knowledge; This variant is associated with the following publications: (PMID: 27535533)

NM_000051.4(ATM):c.2868A>G (p.Gly956=)

Gene: ATM (ATM serine/threonine kinase; plus strand). Cytogenetic location: 11q22.3.
Variant type: single nucleotide variant.
Coding change: c.2868A>G on transcript NM_000051.4 (MANE Select); coding-DNA position 2868, A replaced by G.
Protein change: p.Gly956=; no amino-acid change (glycine 956 retained).
Molecular consequence: synonymous variant.
Genome position (GRCh38, 1-based): chr11:108,271,093, A>G. VCF-style: chr11-108271093-A-G. GRCh37 (hg19) VCF-style: chr11-108141820-A-G.
Other names: c.2868A>G, p.Gly956= (NM_001351834.2).
Identifiers: ClinVar variation 1331295 (VCV001331295.2), dbSNP rs2135547882, ClinGen allele CA476674157.
Genomic context (GRCh38, chr11:108,271,093, plus strand): 5'-AACCTGATTTTTTTCCCTCCTACCATCTTAGTATCTAATGCTTTTAAAGGAGCTTCCTGG[A>G]GAAGAGTACCCCTTGCCAATGGAAGATGTTCTTGAACTTCTGAAACCACTATCGTAAGAA-3'
Protein context (NP_000042.3, residues 946-966): MYLMLLKELP[Gly956=]EEYPLPMEDV